The following is an entry in ClinVar:

NM_003803.4(MYOM1):c.4570A>G (p.Asn1524Asp)

Gene: MYOM1 (myomesin 1; minus strand). Cytogenetic location: 18p11.31.
Variant type: single nucleotide variant.
Coding change: c.4570A>G on transcript NM_003803.4 (MANE Select); coding-DNA position 4570, A replaced by G.
Protein change: p.Asn1524Asp; replaces asparagine 1524 with aspartic acid.
Molecular consequence: missense variant.
Genome position (GRCh38, 1-based): chr18:3,079,257, T>C on the plus strand (A>G on the coding strand, the complement: MYOM1 is on the minus strand). VCF-style: chr18-3079257-T-C. GRCh37 (hg19) VCF-style: chr18-3079255-T-C.
Other names: c.4282A>G, p.Asn1428Asp (NM_019856.2); short protein forms N1524D, N1428D.
Identifiers: ClinVar variation 2892460 (VCV002892460.5), dbSNP rs183212921, ClinGen allele CA8873901.

ClinVar aggregate classification (germline): Uncertain significance. Review status: criteria provided, multiple submitters, no conflicts (2 of 4 stars). 2 submissions from 2 submitters: Uncertain significance (2). Last evaluated 2025-02-10.

Conditions:
Hypertrophic cardiomyopathy. Also called: HYPERTROPHIC MYOCARDIOPATHY. Identifiers: Orphanet 217569, MedGen C0007194, MeSH D002312, MONDO:0005045, HP:0001639.

Allele frequency attached by ClinVar (database versions not stated): ExAC 0.00001; gnomAD 0.00001; TOPMed 0.00002; ESP Exome Variant Server 0.00008; 1000 Genomes Project 30x 0.00016; 1000 Genomes Project 0.00020.
gnomAD v4.1: 8 of 1,613,956 alleles (0.0005%); highest among the groups gnomAD compares: Non-Finnish European, 0.00059%; no homozygotes.

Submissions (2):

Ambry Genetics
Classification: Uncertain significance. Last evaluated: 2025-02-10. Review status: criteria provided, single submitter. Criteria: Ambry Variant Classification Scheme 2023. Collection method: clinical testing. Allele origin: germline.

Labcorp Genetics (formerly Invitae), Labcorp
Classification: Uncertain significance for Hypertrophic cardiomyopathy. Last evaluated: 2023-09-13. Review status: criteria provided, single submitter. Criteria: Invitae Variant Classification Sherloc (09022015). Collection method: clinical testing. Allele origin: germline.
Comment: This sequence change replaces asparagine, which is neutral and polar, with aspartic acid, which is acidic and polar, at codon 1524 of the MYOM1 protein (p.Asn1524Asp). This variant is present in population databases (rs183212921, gnomAD 0.002%). This variant has not been reported in the literature in individuals affected with MYOM1-related conditions. Advanced modeling of protein sequence and biophysical properties (such as structural, functional, and spatial information, amino acid conservation, physicochemical variation, residue mobility, and thermodynamic stability) performed at Invitae indicates that this missense variant is not expected to disrupt MYOM1 protein function. In summary, the available evidence is currently insufficient to determine the role of this variant in disease. Therefore, it has been classified as a Variant of Uncertain Significance.